The following is an entry in ClinVar:

NM_001042681.2(RERE):c.1016C>T (p.Ala339Val)

Gene: RERE (arginine-glutamic acid dipeptide repeats; minus strand). Cytogenetic location: 1p36.23.
Variant type: single nucleotide variant.
Coding change: c.1016C>T on transcript NM_001042681.2 (MANE Select); coding-DNA position 1016, C replaced by T.
Protein change: p.Ala339Val; replaces alanine 339 with valine.
Molecular consequence: missense variant.
Genome position (GRCh38, 1-based): chr1:8,495,151, G>A on the plus strand (C>T on the coding strand, the complement: RERE is on the minus strand). VCF-style: chr1-8495151-G-A. GRCh37 (hg19) VCF-style: chr1-8555211-G-A.
Other names: c.1016C>T, p.Ala339Val (NM_012102.4); short protein forms A339V.
Identifiers: ClinVar variation 450901 (VCV000450901.2), dbSNP rs992236684, ClinGen allele CA17735504.
Genomic context (GRCh38, chr1:8,495,151, plus strand): 5'-TCCCGAGAGGCTGCGACACAGCCGTCCTCTGTAGAGCCTCCATCACACATTCCTGCAAAT[G>A]CCGCCATGCTCCTTCAGAAGAAAAGGTTTTTCCTTTATTAGTACATAGTAATATCAGGAC-3'
Protein context (NP_001036146.1, residues 329-349): MYLRAARSMA[Ala339Val]FAGMCDGGST

ClinVar aggregate classification (germline): Uncertain significance (1 of 4 stars; one submission).

Allele frequency attached by ClinVar (database versions not stated): gnomAD exomes below 0.00001 and 0.00001; TOPMed 0.00001.
gnomAD v4.1: 10 of 1,613,294 alleles (0.00062%); highest among the groups gnomAD compares: Non-Finnish European, 0.00085%; no homozygotes.

Submission:

GeneDx
Classification: Uncertain significance. Last evaluated: 2017-07-28. Review status: criteria provided, single submitter. Criteria: GeneDx Variant Classification (06012015). Collection method: clinical testing. Allele origin: germline. Affected: yes.
Comment: The A339V variant has not been published as a pathogenic variant, nor has it been reported as a benign variant to our knowledge. This variant is not observed in large population cohorts (Lek et al., 2016; 1000 Genomes Consortium et al., 2015; Exome Variant Server). The A339V variant is a conservative amino acid substitution that occurs at a position that is conserved across species, and in silico analysis predicts this variant is probably damaging to the protein structure/function. Therefore, based on the currently available information, it is unclear whether this variant is a pathogenic variant or a rare benign variant.